The following is an entry in ClinVar:

ClinVar aggregate classification (germline): Uncertain significance (1 of 4 stars; one submission).

Submission:

Ambry Genetics
Classification: Uncertain significance. Last evaluated: 2022-03-01. Review status: criteria provided, single submitter. Criteria: Ambry Variant Classification Scheme 2023. Collection method: clinical testing. Allele origin: germline.
Comment: The p.R1180S variant (also known as c.3540G>T), located in coding exon 4 of the ALPK2 gene, results from a G to T substitution at nucleotide position 3540. The arginine at codon 1180 is replaced by serine, an amino acid with dissimilar properties. This amino acid position is conserved. In addition, this alteration is predicted to be tolerated by in silico analysis. Since supporting evidence is limited at this time, the clinical significance of this alteration remains unclear.

NM_052947.4(ALPK2):c.3540G>T (p.Arg1180Ser)

Gene: ALPK2 (alpha kinase 2; minus strand). Cytogenetic location: 18q21.31.
Variant type: single nucleotide variant.
Coding change: c.3540G>T on transcript NM_052947.4 (MANE Select); coding-DNA position 3540, G replaced by T.
Protein change: p.Arg1180Ser; replaces arginine 1180 with serine.
Molecular consequence: missense variant.
Genome position (GRCh38, 1-based): chr18:58,536,647, C>A on the plus strand (G>T on the coding strand, the complement: ALPK2 is on the minus strand). VCF-style: chr18-58536647-C-A. GRCh37 (hg19) VCF-style: chr18-56203879-C-A.
Other names: short protein forms R1180S.
Identifiers: ClinVar variation 1732475 (VCV001732475.2), dbSNP rs2051650097, ClinGen allele CA402566502.